The following is an entry in ClinVar:

NM_000824.5(GLRB):c.1254T>G (p.Asn418Lys)

Gene: GLRB (glycine receptor beta; plus strand). Cytogenetic location: 4q32.1.
Variant type: single nucleotide variant.
Coding change: c.1254T>G on transcript NM_000824.5 (MANE Select); coding-DNA position 1254, T replaced by G.
Protein change: p.Asn418Lys; replaces asparagine 418 with lysine.
Molecular consequence: missense variant. On other transcripts: 3 prime UTR variant (1).
Genome position (GRCh38, 1-based): chr4:157,170,488, T>G. VCF-style: chr4-157170488-T-G. GRCh37 (hg19) VCF-style: chr4-158091640-T-G.
Other names: c.1254T>G, p.Asn418Lys (NM_001166060.2); c.*49T>G (NM_001166061.2); short protein forms N418K.
Identifiers: ClinVar variation 1347358 (VCV001347358.8), dbSNP rs373002083, ClinGen allele CA3119991.

ClinVar aggregate classification (germline): Uncertain significance. Review status: criteria provided, multiple submitters, no conflicts (2 of 4 stars). 2 submissions from 2 submitters: Uncertain significance (2). Last evaluated 2023-12-11.

Conditions:
Hyperekplexia 2 (HKPX2). Identifiers: Orphanet 3197, MedGen C3553291, MONDO:0013828, OMIM 614619.

Allele frequency attached by ClinVar (database versions not stated): ExAC 0.00002; gnomAD exomes 0.00002 and 0.00003; gnomAD 0.00003; TOPMed 0.00003; ESP Exome Variant Server 0.00008.
gnomAD v4.1: 53 of 1,608,804 alleles (0.0033%); highest among the groups gnomAD compares: Non-Finnish European, 0.0044%; no homozygotes.

Submissions (2):

Labcorp Genetics (formerly Invitae), Labcorp
Classification: Uncertain significance for Hyperekplexia 2. Last evaluated: 2023-12-11. Review status: criteria provided, single submitter. Criteria: Invitae Variant Classification Sherloc (09022015). Collection method: clinical testing. Allele origin: germline.
Comment: This sequence change replaces asparagine, which is neutral and polar, with lysine, which is basic and polar, at codon 418 of the GLRB protein (p.Asn418Lys). This variant is present in population databases (rs373002083, gnomAD 0.006%). This variant has not been reported in the literature in individuals affected with GLRB-related conditions. ClinVar contains an entry for this variant (Variation ID: 1347358). Advanced modeling of protein sequence and biophysical properties (such as structural, functional, and spatial information, amino acid conservation, physicochemical variation, residue mobility, and thermodynamic stability) performed at Invitae indicates that this missense variant is not expected to disrupt GLRB protein function with a negative predictive value of 80%. In summary, the available evidence is currently insufficient to determine the role of this variant in disease. Therefore, it has been classified as a Variant of Uncertain Significance.

Blueprint Genetics
Classification: Uncertain significance. Last evaluated: 2023-04-19. Review status: criteria provided, single submitter. Criteria: ACMG Guidelines, 2015. Collection method: clinical testing. Allele origin: germline.